The following is an entry in ClinVar:

NM_194454.3(KRIT1):c.1683_1695del (p.Val562fs)

Gene: KRIT1 (KRIT1 ankyrin repeat containing; minus strand). Cytogenetic location: 7q21.2.
Variant type: Deletion.
Coding change: c.1683_1695del on transcript NM_194454.3 (MANE Select); coding-DNA positions 1683 to 1695, 13 bases deleted (AGTCTATGGAAAT).
Protein change: p.Val562fs; shifts the reading frame from valine 562.
Molecular consequence: frameshift variant.
Genome position (GRCh38, 1-based): chr7:92,214,646-92,214,658, ATTTCCATAGACT deleted on the plus strand (AGTCTATGGAAAT on the coding strand, the reverse complement: KRIT1 is on the minus strand); deleting any 13 consecutive bases within chr7:92,214,646-92,214,662 gives the same sequence; the c. name uses the placement nearest the transcript's 3' end. VCF-style (leftmost placement, unchanged base first): chr7-92214645-AATTTCCATAGACT-A. GRCh37 (hg19) VCF-style: chr7-91843959-AATTTCCATAGACT-A.
Other names: c.1683_1695delAGTCTATGGAAAT (NM_194456.1); c.1539_1551del, p.Val514fs (NM_001013406.2, NM_001350669.1, NM_001350670.1); c.969_981del, p.Val324fs (NM_001350671.1); c.1683_1695del, p.Val562fs (NM_001350672.1, NM_001350673.1, NM_001350674.1 and 26 more transcripts); short protein forms V324fs, V514fs, V562fs.
Identifiers: ClinVar variation 468211 (VCV000468211.8), dbSNP rs1554504519, ClinGen allele CA658657684.

ClinVar aggregate classification (germline): Pathogenic (1 of 4 stars; one submission).

Conditions:
Cerebral cavernous malformation (CCM). Also called: CAVERNOUS ANGIOMA, FAMILIAL; CAVERNOUS ANGIOMATOUS MALFORMATIONS; CEREBRAL CAPILLARY MALFORMATIONS; Cerebral cavernous malformations; Cavernous Hemangioma of Brain; Cerebral cavernous hemangioma (type). Identifiers: Orphanet 221061, MedGen C2919945, MONDO:0000820, OMIM 116860, HP:0033522.

Submission:

Labcorp Genetics (formerly Invitae), Labcorp
Classification: Pathogenic for Cerebral cavernous malformation. Last evaluated: 2018-07-15. Review status: criteria provided, single submitter. Criteria: Invitae Variant Classification Sherloc (09022015). Collection method: clinical testing. Allele origin: germline.
Comment: This sequence change deletes 13 nucleotides from exon 16 of the KRIT1 mRNA (c.1683_1695del), causing a frameshift at codon 562. This creates a premature translational stop signal (p.Val562Metfs*11) and is expected to result in an absent or disrupted protein product. While this particular variant has not been reported in the literature, loss-of-function variants in KRIT1 are known to be pathogenic (PMID: 24689081). For these reasons, this variant has been classified as Pathogenic.

Literature cited by the submitters: PubMed 24689081.